The following is an entry in ClinVar:

ClinVar aggregate classification (germline): Uncertain significance (1 of 4 stars; one submission).

Allele frequency attached by ClinVar (database versions not stated): gnomAD exomes below 0.00001; ExAC 0.00001; gnomAD 0.00001.
gnomAD v4.1: 5 of 1,614,086 alleles (0.00031%); highest among the groups gnomAD compares: Non-Finnish European, 0.00042%; no homozygotes.

Submission:

Labcorp Genetics (formerly Invitae), Labcorp
Classification: Uncertain significance. Last evaluated: 2021-08-22. Review status: criteria provided, single submitter. Criteria: Invitae Variant Classification Sherloc (09022015). Collection method: clinical testing. Allele origin: germline.
Comment: This sequence change replaces asparagine with aspartic acid at codon 427 of the CAD protein (p.Asn427Asp). The asparagine residue is highly conserved and there is a small physicochemical difference between asparagine and aspartic acid. This variant is present in population databases (rs757298956, ExAC 0.001%). This variant has not been reported in the literature in individuals affected with CAD-related conditions. Algorithms developed to predict the effect of missense changes on protein structure and function (SIFT, PolyPhen-2, Align-GVGD) all suggest that this variant is likely to be tolerated. In summary, the available evidence is currently insufficient to determine the role of this variant in disease. Therefore, it has been classified as a Variant of Uncertain Significance.

NM_004341.5(CAD):c.1279A>G (p.Asn427Asp)

Gene: CAD (carbamoyl-phosphate synthetase 2, aspartate transcarbamylase, and dihydroorotase; plus strand). Cytogenetic location: 2p23.3.
Variant type: single nucleotide variant.
Coding change: c.1279A>G on transcript NM_004341.5 (MANE Select); coding-DNA position 1279, A replaced by G.
Protein change: p.Asn427Asp; replaces asparagine 427 with aspartic acid.
Molecular consequence: missense variant.
Genome position (GRCh38, 1-based): chr2:27,224,769, A>G. VCF-style: chr2-27224769-A-G. GRCh37 (hg19) VCF-style: chr2-27447637-A-G.
Other names: c.1279A>G, p.Asn427Asp (NM_001306079.2); short protein forms N427D.
Identifiers: ClinVar variation 1376843 (VCV001376843.4), dbSNP rs757298956, ClinGen allele CA1572668.